The following is an entry in ClinVar:

NM_000155.3(GALT):c.790_792invCTA (p.Leu264Ter)

Gene: GALT (galactose-1-phosphate uridylyltransferase; plus strand). Cytogenetic location: 9p13.3.
Variant type: Inversion.
Coding change: c.790_792invCTA on transcript NM_000155.3.
Protein change: p.Leu264Ter; replaces leucine 264 with a stop codon.
Molecular consequence: nonsense (on NM_000155.4).
Genome position: GRCh38 VCF-style: chr9-34648864-CTA-TAG. GRCh37 (hg19) VCF-style: chr9-34648861-CTA-TAG.
Other names: p.Leu264*; c.790_792delinsTAG (NM_000155.4, NM_000155.3); c.790_792delCTAinsTAG (NM_000155.3, NM_000155.2); c.790_792inv, p.Leu264Ter (NM_000155.4); c.463_465inv, p.Leu155Ter (NM_001258332.2); short protein forms L264*, L155*.
Identifiers: ClinVar variation 459627 (VCV000459627.17), ClinGen allele CA353731.
Genomic context (GRCh38, chr9:34,648,864, plus strand): 5'-CCCTTCTGGGCAACATGGCCCTACCAGACACTGCTGCTGCCCCGTCGGCATGTGCGGCGG[CTA>TAG]CCTGAGCTGACCCCTGCTGAGCGTGATGGTCAGTCTCCCAAGTAGGATCCTGGGGCTAGG-3'

ClinVar aggregate classification (germline): Pathogenic. Review status: criteria provided, multiple submitters, no conflicts (2 of 4 stars). 9 submissions from 9 submitters: Pathogenic (9). Last evaluated 2025-11-13.

Conditions:
Galactosemia. Also called: Galactose intolerance. Identifiers: Orphanet 352, MedGen C0016952, MONDO:0018116, HP:0004919. Disease mechanism: loss of function.
Deficiency of UDPglucose-hexose-1-phosphate uridylyltransferase. Also called: GALT deficiency; Galactosemia, classic; GALACTOSE-1-PHOSPHATE URIDYLYLTRANSFERASE DEFICIENCY; Transferase Deficiency Galactosemia; GALACTOSEMIA I. Identifiers: Orphanet 352, Orphanet 79239, MedGen C0268151, MONDO:0009258, OMIM 230400.

Submissions (9):

Natera, Inc.
Classification: Pathogenic for Galactosemia. Last evaluated: 2025-11-13. Review status: criteria provided, single submitter. Criteria: Natera Variant Classification Schema (03/2026). Collection method: clinical testing. Allele origin: germline.
Comment: The c.790_792delCTAinsTAG variant in GALT is a deletion-insertion (delins) variant predicted to replace one or more nucleotides with a different sequence. This variant is expected to result in nonsense mediated decay, truncation, or a dysfunctional protein product. This variant is rare in the general population with a frequency below the threshold expected for the associated phenotype(s). This variant has been observed in one or more individuals affected with the associated recessive disease, as either homozygous or compound heterozygous with a second variant (PMID: 30718057). Given the available evidence, this variant is classified as Pathogenic.

Fulgent Genetics
Classification: Pathogenic for Deficiency of UDPglucose-hexose-1-phosphate uridylyltransferase. Last evaluated: 2024-03-07. Review status: criteria provided, single submitter. Criteria: ACMG Guidelines, 2015. Collection method: clinical testing. Allele origin: germline.

ARUP Laboratories, Molecular Genetics and Genomics, ARUP Laboratories
Classification: Pathogenic. Last evaluated: 2023-10-11. Review status: criteria provided, single submitter. Criteria: ARUP Molecular Germline Variant Investigation Process 2024. Collection method: clinical testing. Allele origin: germline.
Comment: The GALT c.790_792inv; p.Leu264Ter variant (rs367543270), also known as L264X, is reported in the literature in individuals affected with galactosemia (Demirbas 2019, Elsas 1998, Yang 2002). This variant is also reported in ClinVar (Variation ID: 459627), and is only observed on two alleles in the Genome Aggregation Database, indicating it is not a common polymorphism. This variant induces an early termination codon and is predicted to result in a truncated protein or mRNA subject to nonsense-mediated decay. Additionally, several downstream truncating variants have been described in individuals with galactosemia and are considered pathogenic (Boutron 2012, Demirbas 2019, Tyfield 1999). Based on available information, this variant is considered to be pathogenic. References: Boutron A et al. Mutation spectrum in the French cohort of galactosemic patients and structural simulation of 27 novel missense variations. Mol Genet Metab. 2012 Nov;107(3):438-47. PMID: 22944367. Demirbas D et al. The ability of an LC-MS/MS-based erythrocyte GALT enzyme assay to predict the phenotype in subjects with GALT deficiency. Mol Genet Metab. 2019 Apr;126(4):368-376. PMID: 30718057. Elsas LJ 2nd and Lai K. The molecular biology of galactosemia. Genet Med. 1998 Nov-Dec;1(1):40-8. PMID: 11261429. Tyfield L et al. Classical galactosemia and mutations at the galactose-1-phosphate uridyl transferase (GALT) gene. Hum Mutat. 1999;13(6):417-30. PMID: 10408771. Yang YP et al. Molecular analysis in newborns from Texas affected with galactosemia. Hum Mutat. 2002 Jan;19(1):82-3. PMID: 11754113.

Baylor Genetics
Classification: Pathogenic for Deficiency of UDPglucose-hexose-1-phosphate uridylyltransferase. Last evaluated: 2023-03-14. Review status: criteria provided, single submitter. Criteria: ACMG Guidelines, 2015. Collection method: clinical testing. Allele origin: unknown.

Mayo Clinic Laboratories, Mayo Clinic
Classification: Pathogenic. Last evaluated: 2023-01-30. Review status: criteria provided, single submitter. Criteria: ACMG Guidelines, 2015. Collection method: clinical testing. Allele origin: germline. Observed: 2 variant alleles.
Comment: PP4, PM2, PVS1

Labcorp Genetics (formerly Invitae), Labcorp
Classification: Pathogenic for Deficiency of UDPglucose-hexose-1-phosphate uridylyltransferase. Last evaluated: 2022-02-19. Review status: criteria provided, single submitter. Criteria: Invitae Variant Classification Sherloc (09022015). Collection method: clinical testing. Allele origin: germline.
Comment: This sequence change creates a premature translational stop signal ( p.Leu264*) in the GALT gene. It is expected to result in an absent or disrupted protein product. Loss-of-function variants in GALT are known to be pathogenic (PMID: 22944367). This variant is present in population databases (no rsID available, gnomAD 0.003%). This premature translational stop signal has been observed in individual(s) with galactosemia (PMID: 11261429, 11754113). ClinVar contains an entry for this variant (Variation ID: 1074150). For these reasons, this variant has been classified as Pathogenic.

GeneDx
Classification: Pathogenic. Last evaluated: 2021-06-30. Review status: criteria provided, single submitter. Criteria: GeneDx Variant Classification Process June 2021. Collection method: clinical testing. Allele origin: germline. Affected: yes.
Comment: Observed in apparent homozygous state in a patient with a confirmed diagnosis of classic galactosemia (Elsas et al., 1998); Not observed in large population cohorts (Lek et al., 2016); Nonsense variant predicted to result in protein truncation or nonsense mediated decay in a gene for which loss-of-function is a known mechanism of disease; This variant is associated with the following publications: (PMID: 11261429, 30718057, 11754113, 10408771)

Women's Health and Genetics/Laboratory Corporation of America, LabCorp
Classification: Pathogenic for Deficiency of UDPglucose-hexose-1-phosphate uridylyltransferase. Last evaluated: 2020-12-19. Review status: criteria provided, single submitter. Criteria: LabCorp Variant Classification Summary - May 2015. Collection method: clinical testing. Allele origin: germline.
Comment: Variant summary: GALT c.790_792delinsTAG (p.Leu264X) results in a premature termination codon, predicted to cause a truncation of the encoded protein or absence of the protein due to nonsense mediated decay, which are commonly known mechanisms for disease. Truncations downstream of this position have been classified as pathogenic by our laboratory. The variant was absent in 245500 control chromosomes. c.790_792delinsTAG has been reported in the literature in individuals affected with Galactosemia (example, Elsas_1998, Yang_2002, Demirbas_2019 and an external laboratory database). These data indicate that the variant is likely to be associated with disease. To our knowledge, no experimental evidence demonstrating an impact on protein function has been reported. One clinical diagnostic laboratory has submitted clinical-significance assessments for this variant to ClinVar after 2014 without evidence for independent evaluation. One laboratory classified the variant as pathogenic citing overlapping evidence utilized in the context of this evaluation. Based on the evidence outlined above, the variant was classified as pathogenic.

Eurofins Ntd Llc (ga)
Classification: Pathogenic. Last evaluated: 2013-04-19. Review status: criteria provided, single submitter. Criteria: EGL Classification Definitions 2015. Collection method: clinical testing. Allele origin: germline. Observed: 7 variant alleles, 6 heterozygotes, 1 homozygote.

Literature cited by the submitters: PubMed 30718057 (cited by 3 submitters); PubMed 10408771 (cited by Mayo Clinic Laboratories, Mayo Clinic and Women's Health and Genetics/Laboratory Corporation of America, LabCorp); PubMed 11261429 (cited by 3 submitters); PubMed 11754113 (cited by 3 submitters); PubMed 22944367 (cited by Labcorp Genetics (formerly Invitae), Labcorp).